The following is an entry in ClinVar:

NM_002519.3(NPAT):c.3802C>T (p.Pro1268Ser)

Gene: NPAT (nuclear protein, coactivator of histone transcription; minus strand). Cytogenetic location: 11q22.3.
Variant type: single nucleotide variant.
Coding change: c.3802C>T on transcript NM_002519.3 (MANE Select); coding-DNA position 3802, C replaced by T.
Protein change: p.Pro1268Ser; replaces proline 1268 with serine.
Molecular consequence: missense variant.
Genome position (GRCh38, 1-based): chr11:108,161,284, G>A on the plus strand (C>T on the coding strand, the complement: NPAT is on the minus strand). VCF-style: chr11-108161284-G-A. GRCh37 (hg19) VCF-style: chr11-108032011-G-A.
Other names: c.3823C>T, p.Pro1275Ser (NM_001321307.1); short protein forms P1268S, P1275S.
Identifiers: ClinVar variation 1735079 (VCV001735079.2), dbSNP rs767777740, ClinGen allele CA6263521.
Genomic context (GRCh38, chr11:108,161,284, plus strand): 5'-TGATAATATCTATAGGTTCTTCTTTATGTTTTTCCCCTGCCCCTGAGCCAGGTGTCCGGG[G>A]CACAGGTAAATCACTACTATCAGCAAGCCTACTTACTGAGCTGTGCCTCTGTATATCCTG-3'
Protein context (NP_002510.2, residues 1258-1278): RLADSSDLPV[Pro1268Ser]RTPGSGAGEK

ClinVar aggregate classification (germline): Uncertain significance (1 of 4 stars; one submission).

Allele frequency attached by ClinVar (database versions not stated): gnomAD exomes below 0.00001; ExAC 0.00002.

Submission:

Ambry Genetics
Classification: Uncertain significance. Last evaluated: 2022-07-10. Review status: criteria provided, single submitter. Criteria: Ambry Variant Classification Scheme 2023. Collection method: clinical testing. Allele origin: germline.
Comment: The p.P1268S variant (also known as c.3802C>T), located in coding exon 17 of the NPAT gene, results from a C to T substitution at nucleotide position 3802. The proline at codon 1268 is replaced by serine, an amino acid with similar properties. This amino acid position is conserved. In addition, this alteration is predicted to be tolerated by in silico analysis. Since supporting evidence is limited at this time, the clinical significance of this alteration remains unclear.